The following is an entry in ClinVar:

ClinVar aggregate classification (germline): Uncertain significance. Review status: criteria provided, multiple submitters, no conflicts (2 of 4 stars). 2 submissions from 2 submitters: Uncertain significance (2). Last evaluated 2023-09-04.

Conditions:
Intellectual disability and myopathy syndrome (IDMYS). Identifiers: MedGen C5676904, MONDO:0859224, OMIM 619719.
Dilated cardiomyopathy 1O (CMD1O). Also called: CARDIOMYOPATHY, DILATED, WITH VENTRICULAR TACHYCARDIA. Identifiers: Orphanet 154, MedGen C1837839, MONDO:0012062, OMIM 608569.

Allele frequency attached by ClinVar (database versions not stated): gnomAD exomes below 0.00001.
gnomAD v4.1: 4 of 1,609,488 alleles (0.00025%); highest among the groups gnomAD compares: Non-Finnish European, 0.000085%; no homozygotes.

Submissions (2):

Labcorp Genetics (formerly Invitae), Labcorp
Classification: Uncertain significance for Dilated cardiomyopathy 1O. Last evaluated: 2023-09-04. Review status: criteria provided, single submitter. Criteria: Invitae Variant Classification Sherloc (09022015). Collection method: clinical testing. Allele origin: germline.
Comment: Variants that disrupt the consensus splice site are a relatively common cause of aberrant splicing (PMID: 17576681, 9536098). Algorithms developed to predict the effect of sequence changes on RNA splicing suggest that this variant may disrupt the consensus splice site. This sequence change falls in intron 3 of the ABCC9 gene. It does not directly change the encoded amino acid sequence of the ABCC9 protein. It affects a nucleotide within the consensus splice site. This variant is not present in population databases (gnomAD no frequency). This variant has not been reported in the literature in individuals affected with ABCC9-related conditions. ClinVar contains an entry for this variant (Variation ID: 1992377). In summary, the available evidence is currently insufficient to determine the role of this variant in disease. Therefore, it has been classified as a Variant of Uncertain Significance.

MVZ Martinsried, Medicover Genetics
Classification: Uncertain significance for Intellectual disability and myopathy syndrome. Last evaluated: 2022-04-21. Review status: criteria provided, single submitter. Criteria: ACGS Guidelines, 2020. Collection method: clinical testing. Allele origin: inherited. Affected: yes.

Literature cited by the submitters: PubMed 17576681 (cited by Labcorp Genetics (formerly Invitae), Labcorp); PubMed 9536098 (cited by Labcorp Genetics (formerly Invitae), Labcorp).

NM_020297.4(ABCC9):c.406+4A>G

Gene: ABCC9 (ATP binding cassette subfamily C member 9; minus strand). Cytogenetic location: 12p12.1.
Variant type: single nucleotide variant.
Coding change: c.406+4A>G on transcript NM_020297.4 (MANE Select); 4 bases into the intron after coding-DNA position 406, A replaced by G.
Molecular consequence: intron variant.
Genome position (GRCh38, 1-based): chr12:21,925,938, T>C on the plus strand (A>G on the coding strand, the complement: ABCC9 is on the minus strand). VCF-style: chr12-21925938-T-C. GRCh37 (hg19) VCF-style: chr12-22078872-T-C.
Other names: c.-49+4A>G (NM_001377274.1); c.406+4A>G (NM_005691.4, NM_001377273.1).
Identifiers: ClinVar variation 1992377 (VCV001992377.4), dbSNP rs2541827217, ClinGen allele CA2580085294.